The following is an entry in ClinVar:

NM_006946.4(SPTBN2):c.7006G>A (p.Glu2336Lys)

Gene: SPTBN2 (spectrin beta, non-erythrocytic 2; minus strand). Cytogenetic location: 11q13.2.
Variant type: single nucleotide variant.
Coding change: c.7006G>A on transcript NM_006946.4 (MANE Select); coding-DNA position 7006, G replaced by A.
Protein change: p.Glu2336Lys; replaces glutamic acid 2336 with lysine.
Molecular consequence: missense variant.
Genome position (GRCh38, 1-based): chr11:66,686,038, C>T on the plus strand (G>A on the coding strand, the complement: SPTBN2 is on the minus strand). VCF-style: chr11-66686038-C-T. GRCh37 (hg19) VCF-style: chr11-66453509-C-T.
Other names: short protein forms E2336K.
Identifiers: ClinVar variation 1256188 (VCV001256188.2), dbSNP rs765015336, ClinGen allele CA6127664.
Genomic context (GRCh38, chr11:66,686,038, plus strand): 5'-GCATGGTCATGGCCCGGGTCATGCCCCGGGTGGTGCTGGGCACCACCGGCTCTTCAGGCT[C>T]TCCAGAGGCAGAAGACGCTGTGGCAATGGCTGCATTCACCACCCGTAGCCACGAGCTCAT-3'
Protein context (NP_008877.2, residues 2326-2346): AIATASSASG[Glu2336Lys]PEEPVVPSTT

ClinVar aggregate classification (germline): Uncertain significance. Review status: criteria provided, multiple submitters, no conflicts (2 of 4 stars). 2 submissions from 2 submitters: Uncertain significance (2). Last evaluated 2023-02-02.

Allele frequency attached by ClinVar (database versions not stated): gnomAD exomes below 0.00001 and 0.00001; ExAC 0.00003; gnomAD 0.00003 and 0.00004; TOPMed 0.00007.
gnomAD v4.1: 7 of 1,613,610 alleles (0.00043%); highest among the groups gnomAD compares: African/African-American, 0.008%; no homozygotes.

Submissions (2):

GeneDx
Classification: Uncertain significance. Last evaluated: 2023-02-02. Review status: criteria provided, single submitter. Criteria: GeneDx Variant Classification Process June 2021. Collection method: clinical testing. Allele origin: germline. Affected: yes.
Comment: In silico analysis supports that this missense variant does not alter protein structure/function; Has not been previously published as pathogenic or benign to our knowledge

Athena Diagnostics
Classification: Uncertain significance. Last evaluated: 2021-03-22. Review status: criteria provided, single submitter. Criteria: Athena Diagnostics criteria. Collection method: clinical testing. Allele origin: unknown.